The following is an entry in ClinVar:

ClinVar aggregate classification (germline): Uncertain significance (1 of 4 stars; one submission).

Conditions:
Cardiovascular phenotype. Identifiers: MedGen CN230736.

gnomAD v4.1: 2 of 1,491,960 alleles (0.00013%); highest among the groups gnomAD compares: South Asian, 0.0026%; no homozygotes.

Submission:

Ambry Genetics
Classification: Uncertain significance for Cardiovascular phenotype. Last evaluated: 2026-06-01. Review status: criteria provided, single submitter. Criteria: Ambry Variant Classification Scheme 2023. Collection method: clinical testing. Allele origin: germline.
Comment: The p.A133V variant (also known as c.398C>T), located in coding exon 1 of the FKRP gene, results from a C to T substitution at nucleotide position 398. The alanine at codon 133 is replaced by valine, an amino acid with similar properties. This amino acid position is conserved. In addition, this alteration is predicted to be tolerated by in silico analysis. Based on the available evidence, the clinical significance of this variant remains unclear.

NM_024301.5(FKRP):c.398C>T (p.Ala133Val)

Gene: FKRP (fukutin related protein; plus strand). Cytogenetic location: 19q13.32.
Variant type: single nucleotide variant.
Coding change: c.398C>T on transcript NM_024301.5 (MANE Select); coding-DNA position 398, C replaced by T.
Protein change: p.Ala133Val; replaces alanine 133 with valine.
Molecular consequence: missense variant.
Genome position (GRCh38, 1-based): chr19:46,755,848, C>T. VCF-style: chr19-46755848-C-T. GRCh37 (hg19) VCF-style: chr19-47259105-C-T.
Other names: c.398C>T, p.Ala133Val (NM_001039885.3); short protein forms A133V.
Identifiers: ClinVar variation 4871351 (VCV004871351.1).